The following is an entry in ClinVar:

ClinVar aggregate classification (germline): Uncertain significance. Review status: criteria provided, multiple submitters, no conflicts (2 of 4 stars). 5 submissions from 5 submitters: Uncertain significance (4). 1 of the submissions does not count toward it. Last evaluated 2025-09-10.

Conditions:
Drash syndrome (DDS). Also called: NEPHROPATHY, WILMS TUMOR, AND GENITAL ANOMALIES; WILMS TUMOR AND PSEUDO- OR TRUE HERMAPHRODITISM. Identifiers: Orphanet 220, MedGen C0950121, MONDO:0008682, OMIM 194080.
Wilms tumor 1 (WT1). Also called: Wilms tumor, somatic. Identifiers: Orphanet 654, MedGen CN033288, MONDO:0008679, OMIM 194070.
11p partial monosomy syndrome (WAGR). Also called: CHROMOSOME 11p13 DELETION SYNDROME; WAGR syndrome; WAGR Complex; WAGR Spectrum Disorder. Identifiers: Orphanet 893, MedGen C0206115, MONDO:0008681, OMIM 194072.
Frasier syndrome. Identifiers: Orphanet 347, MedGen C0950122, MeSH D052159, MONDO:0007635, OMIM 136680.
Inborn genetic diseases. Identifiers: MedGen C0950123, MeSH D030342.
Leber congenital amaurosis 10 (LCA10). Identifiers: Orphanet 65, MedGen C1857821, MONDO:0012723, OMIM 611755.

Allele frequency attached by ClinVar (database versions not stated): gnomAD exomes 0.00001; TOPMed 0.00001; ExAC 0.00002; gnomAD 0.00002; ESP Exome Variant Server 0.00008.
gnomAD v4.1: 16 of 1,613,940 alleles (0.00099%); highest among the groups gnomAD compares: East Asian, 0.0022%; no homozygotes.

Submissions (5):

Genomic Medicine Center of Excellence, King Faisal Specialist Hospital and Research Centre
Classification: Uncertain significance for Leber congenital amaurosis 10. Last evaluated: 2025-09-10. Review status: criteria provided, single submitter. Criteria: ACMG Guidelines, 2015. Collection method: clinical testing. Allele origin: germline.

Labcorp Genetics (formerly Invitae), Labcorp
Classification: Uncertain significance for Wilms tumor 1; Drash syndrome; 11p partial monosomy syndrome; Frasier syndrome. Last evaluated: 2025-04-13. Review status: criteria provided, single submitter. Criteria: Invitae Variant Classification Sherloc (09022015). Collection method: clinical testing. Allele origin: germline.
Comment: This sequence change replaces arginine, which is basic and polar, with glutamine, which is neutral and polar, at codon 430 of the WT1 protein (p.Arg430Gln). This variant is present in population databases (rs144788858, gnomAD 0.01%). This missense change has been observed in individual(s) with azoospermia (PMID: 25451826). ClinVar contains an entry for this variant (Variation ID: 135456). Invitae Evidence Modeling of protein sequence and biophysical properties (such as structural, functional, and spatial information, amino acid conservation, physicochemical variation, residue mobility, and thermodynamic stability) indicates that this missense variant is expected to disrupt WT1 protein function with a positive predictive value of 95%. In summary, the available evidence is currently insufficient to determine the role of this variant in disease. Therefore, it has been classified as a Variant of Uncertain Significance.

Ambry Genetics
Classification: Uncertain significance for Inborn genetic diseases. Last evaluated: 2025-03-12. Review status: criteria provided, single submitter. Criteria: Ambry Variant Classification Scheme 2023. Collection method: clinical testing. Allele origin: germline.
Comment: The p.R430Q variant (also known as c.1289G>A), located in coding exon 8 of the WT1 gene, results from a G to A substitution at nucleotide position 1289. The arginine at codon 430 is replaced by glutamine, an amino acid with highly similar properties. This amino acid position is highly conserved in available vertebrate species. In addition, the in silico prediction for this alteration is inconclusive. Based on the available evidence, the clinical significance of this variant remains unclear.

All of Us Research Program, National Institutes of Health
Classification: Uncertain significance for Wilms tumor 1. Last evaluated: 2023-06-28. Review status: criteria provided, single submitter. Criteria: ACMG Guidelines, 2015. Collection method: clinical testing. Allele origin: germline. Inheritance: Autosomal dominant inheritance. Observed: 1 variant allele, 1 heterozygote.
Comment: This study involves interpretation of variants in research participants for the purpose of population health screening. Participant phenotype was not available at the time of variant classification. Additional details can be found in publication PMID: 35346344, PMCID: PMC8962531

ITMI
No classification provided. Condition: AllHighlyPenetrant. Last evaluated: 2013-09-19. Review status: no classification provided. Collection method: reference population. Allele origin: germline. Not counted in ClinVar's aggregate classification.
Comment: Please see associated publication for description of ethnicities

Literature cited by the submitters: PubMed 25451826 (cited by Labcorp Genetics (formerly Invitae), Labcorp); PubMed 24728327 (cited by ITMI).

NM_024426.6(WT1):c.1304G>A (p.Arg435Gln)

Gene: WT1 (WT1 transcription factor; minus strand). Cytogenetic location: 11p13.
Variant type: single nucleotide variant.
Coding change: c.1304G>A on transcript NM_024426.6 (MANE Select); coding-DNA position 1304, G replaced by A.
Protein change: p.Arg435Gln; replaces arginine 435 with glutamine.
Molecular consequence: missense variant. On other transcripts: non-coding transcript variant (1).
Genome position (GRCh38, 1-based): chr11:32,392,716, C>T on the plus strand (G>A on the coding strand, the complement: WT1 is on the minus strand). VCF-style: chr11-32392716-C-T. GRCh37 (hg19) VCF-style: chr11-32414262-C-T.
Other names: c.1253G>A, p.Arg418Gln (NM_000378.6, NM_001407045.1, NM_001407049.1); c.653G>A, p.Arg218Gln (NM_001198551.2); c.602G>A, p.Arg201Gln (NM_001198552.2); c.116G>A, p.Arg39Gln (NM_001367854.1); c.1298G>A, p.Arg433Gln (NM_001407044.1); c.1304G>A, p.Arg435Gln (NM_001407046.1, NM_024424.5); c.1181G>A, p.Arg394Gln (NM_001407047.1); c.1130G>A, p.Arg377Gln (NM_001407050.1); and 2 more; short protein forms R218Q, R435Q, R201Q, R418Q, R39Q, R181Q, R433Q, R377Q.
Identifiers: ClinVar variation 135456 (VCV000135456.16), dbSNP rs144788858, ClinGen allele CA016533.